The following is an entry in ClinVar:

NM_000051.4(ATM):c.*684T>G

Genes: ATM (ATM serine/threonine kinase; plus strand), C11orf65 (chromosome 11 open reading frame 65; minus strand). Cytogenetic location: 11q22.3.
Variant type: single nucleotide variant.
Coding change: c.*684T>G on transcript NM_000051.4 (MANE Select); 684 bases downstream of the stop codon, T replaced by G.
Molecular consequence: 3 prime UTR variant. On other transcripts: intron variant (2).
Genome position (GRCh38, 1-based): chr11:108,366,192, T>G. VCF-style: chr11-108366192-T-G. GRCh37 (hg19) VCF-style: chr11-108236919-T-G.
Other names: c.*684T>G (NM_001351834.2); c.640+19728A>C (NM_001330368.2); c.694+19728A>C (NM_001351110.2).
Identifiers: ClinVar variation 302267 (VCV000302267.7), dbSNP rs3092837, ClinGen allele CA10637521.

ClinVar aggregate classification (germline): Benign (1 of 4 stars; one submission).

Conditions:
Ataxia-telangiectasia syndrome (AT). Also called: Ataxia telangiectasia (A-T); Cerebello-oculocutaneous telangiectasia; Immunodeficiency with ataxia telangiectasia; LOUIS-BAR SYNDROME; AT, COMPLEMENTATION GROUP C; ATAXIA-TELANGIECTASIA, FRESNO VARIANT. Identifiers: Orphanet 100, MedGen C0004135, MONDO:0008840, OMIM 208900.

Allele frequency attached by ClinVar (database versions not stated): gnomAD exomes 0.00224; gnomAD 0.01076 and 0.01002; TOPMed 0.01100; 1000 Genomes Project 30x 0.01109; 1000 Genomes Project 0.01038.
gnomAD v4.1: 1,612 of 194,936 alleles (0.83%); highest among the groups gnomAD compares: African/African-American, 3.4%; 27 homozygotes.

Submission:

Illumina Laboratory Services, Illumina
Classification: Benign for Ataxia-telangiectasia syndrome. Last evaluated: 2018-01-13. Review status: criteria provided, single submitter. Criteria: ICSL Variant Classification Criteria 13 December 2019. Collection method: clinical testing. Allele origin: germline.
Comment: This variant was observed in the ICSL laboratory as part of a predisposition screen in an ostensibly healthy population. It had not been previously curated by ICSL or reported in the Human Gene Mutation Database (HGMD: prior to June 1st, 2018), and was therefore a candidate for classification through an automated scoring system. Utilizing variant allele frequency, disease prevalence and penetrance estimates, and inheritance mode, an automated score was calculated to assess if this variant is too frequent to cause the disease. Based on the score and internal cut-off values, a variant classified as benign is not then subjected to further curation. The score for this variant resulted in a classification of benign for this disease.